The following is an entry in ClinVar:

NM_031220.4(PITPNM3):c.382C>T (p.His128Tyr)

Gene: PITPNM3 (PITPNM family member 3; minus strand). Cytogenetic location: 17p13.2.
Variant type: single nucleotide variant.
Coding change: c.382C>T on transcript NM_031220.4 (MANE Select); coding-DNA position 382, C replaced by T.
Protein change: p.His128Tyr; replaces histidine 128 with tyrosine.
Molecular consequence: missense variant.
Genome position (GRCh38, 1-based): chr17:6,483,722, G>A on the plus strand (C>T on the coding strand, the complement: PITPNM3 is on the minus strand). VCF-style: chr17-6483722-G-A. GRCh37 (hg19) VCF-style: chr17-6387042-G-A.
Other names: c.274C>T, p.His92Tyr (NM_001165966.2); c.382C>T (NM_031220.3); short protein forms H92Y, H128Y.
Identifiers: ClinVar variation 1467754 (VCV001467754.9), dbSNP rs148081180, ClinGen allele CA8329835.

ClinVar aggregate classification (germline): Uncertain significance. Review status: criteria provided, multiple submitters, no conflicts (2 of 4 stars). 3 submissions from 3 submitters: Uncertain significance (3). Last evaluated 2025-03-30.

Allele frequency attached by ClinVar (database versions not stated): gnomAD exomes 0.00005 and 0.00002; gnomAD 0.00007 and 0.00006; ESP Exome Variant Server 0.00015; TOPMed 0.00004; ExAC 0.00005.
gnomAD v4.1: 46 of 1,613,734 alleles (0.0029%); highest among the groups gnomAD compares: Middle Eastern, 0.066%; no homozygotes.

Submissions (3):

Labcorp Genetics (formerly Invitae), Labcorp
Classification: Uncertain significance. Last evaluated: 2025-03-30. Review status: criteria provided, single submitter. Criteria: Invitae Variant Classification Sherloc (09022015). Collection method: clinical testing. Allele origin: germline.
Comment: This sequence change replaces histidine, which is basic and polar, with tyrosine, which is neutral and polar, at codon 128 of the PITPNM3 protein (p.His128Tyr). This variant is present in population databases (rs148081180, gnomAD 0.01%). This variant has not been reported in the literature in individuals affected with PITPNM3-related conditions. ClinVar contains an entry for this variant (Variation ID: 1467754). Invitae Evidence Modeling of protein sequence and biophysical properties (such as structural, functional, and spatial information, amino acid conservation, physicochemical variation, residue mobility, and thermodynamic stability) indicates that this missense variant is not expected to disrupt PITPNM3 protein function with a negative predictive value of 80%. In summary, the available evidence is currently insufficient to determine the role of this variant in disease. Therefore, it has been classified as a Variant of Uncertain Significance.

Dasa
Classification: Uncertain significance. Last evaluated: 2025-03-09. Review status: criteria provided, single submitter. Criteria: DASA Assertion Criteria. Collection method: clinical testing. Allele origin: germline.
Comment: NM_031220.4(PITPNM3):c.382C>T (p.His128Tyr) is a missense variant that results in the substitution of histidine with tyrosine. This variant is rare in population databases. Computational prediction algorithms are consistent with a benign effect. The currently available literature and clinical evidence are not sufficient to establish a definitive association between this variant and the reported condition. Therefore, this variant is classified as a variant of uncertain significance.

Ambry Genetics
Classification: Uncertain significance. Last evaluated: 2021-08-30. Review status: criteria provided, single submitter. Criteria: Ambry Variant Classification Scheme 2023. Collection method: clinical testing. Allele origin: germline.